The following is an entry in ClinVar:

NM_004991.4(MECOM):c.805G>A (p.Asp269Asn)

Gene: MECOM (MDS1 and EVI1 complex locus; minus strand). Cytogenetic location: 3q26.2.
Variant type: single nucleotide variant.
Coding change: c.805G>A on transcript NM_004991.4 (MANE Select); coding-DNA position 805, G replaced by A.
Protein change: p.Asp269Asn; replaces aspartic acid 269 with asparagine.
Molecular consequence: missense variant.
Genome position (GRCh38, 1-based): chr3:169,127,869, C>T on the plus strand (G>A on the coding strand, the complement: MECOM is on the minus strand). VCF-style: chr3-169127869-C-T. GRCh37 (hg19) VCF-style: chr3-168845657-C-T.
Other names: c.805G>A (NM_004991.3); c.241G>A, p.Asp81Asn (NM_001366472.2, NM_001366474.2, NM_005241.4 and 9 more transcripts); c.805G>A, p.Asp269Asn (NM_001366473.2, NM_001366466.2); c.433G>A, p.Asp145Asn (NM_001105077.4); short protein forms D145N, D269N, D81N.
Identifiers: ClinVar variation 3673356 (VCV003673356.3).

ClinVar aggregate classification (germline): Uncertain significance. Review status: criteria provided, multiple submitters, no conflicts (2 of 4 stars). 2 submissions from 2 submitters: Uncertain significance (2). Last evaluated 2025-01-05.

Conditions:
Inborn genetic diseases. Identifiers: MedGen C0950123, MeSH D030342.

gnomAD v4.1: 18 of 1,613,840 alleles (0.0011%); highest among the groups gnomAD compares: Admixed American, 0.0017%; no homozygotes.

Submissions (2):

Ambry Genetics
Classification: Uncertain significance for Inborn genetic diseases. Last evaluated: 2025-01-05. Review status: criteria provided, single submitter. Criteria: Ambry Variant Classification Scheme 2023. Collection method: clinical testing. Allele origin: germline.
Comment: The p.D269N variant (also known as c.805G>A), located in coding exon 5 of the MECOM gene, results from a G to A substitution at nucleotide position 805. The aspartic acid at codon 269 is replaced by asparagine, an amino acid with highly similar properties. This amino acid position is conserved. In addition, this alteration is predicted to be tolerated by in silico analysis. Based on the available evidence, the clinical significance of this variant remains unclear.

Labcorp Genetics (formerly Invitae), Labcorp
Classification: Uncertain significance. Last evaluated: 2024-07-15. Review status: criteria provided, single submitter. Criteria: Invitae Variant Classification Sherloc (09022015). Collection method: clinical testing. Allele origin: germline.
Comment: This sequence change replaces aspartic acid, which is acidic and polar, with asparagine, which is neutral and polar, at codon 81 of the MECOM protein (p.Asp81Asn). This variant is present in population databases (rs765907926, gnomAD 0.008%). This variant has not been reported in the literature in individuals affected with MECOM-related conditions. An algorithm developed to predict the effect of missense changes on protein structure and function (PolyPhen-2) suggests that this variant is likely to be disruptive. In summary, the available evidence is currently insufficient to determine the role of this variant in disease. Therefore, it has been classified as a Variant of Uncertain Significance.